The following is an entry in ClinVar:

NM_031372.4(HNRNPDL):c.317G>C (p.Arg106Pro)

Gene: HNRNPDL (heterogeneous nuclear ribonucleoprotein D like; minus strand). Cytogenetic location: 4q21.22.
Variant type: single nucleotide variant.
Coding change: c.317G>C on transcript NM_031372.4 (MANE Select); coding-DNA position 317, G replaced by C.
Protein change: p.Arg106Pro; replaces arginine 106 with proline.
Molecular consequence: missense variant. On other transcripts: non-coding transcript variant (1).
Genome position (GRCh38, 1-based): chr4:82,429,374, C>G on the plus strand (G>C on the coding strand, the complement: HNRNPDL is on the minus strand). VCF-style: chr4-82429374-C-G. GRCh37 (hg19) VCF-style: chr4-83350527-C-G.
Other names: c.317G>C, p.Arg106Pro (NM_001207000.1); short protein forms R106P.
Identifiers: ClinVar variation 1052546 (VCV001052546.9), dbSNP rs2110031159, ClinGen allele CA357172611.

ClinVar aggregate classification (germline): Uncertain significance (1 of 4 stars; one submission).

Conditions:
Autosomal dominant limb-girdle muscular dystrophy type 1G (LGMDD3). Also called: Limb-girdle muscular dystrophy, type 1G; MUSCULAR DYSTROPHY, LIMB-GIRDLE, AUTOSOMAL DOMINANT 3. Identifiers: Orphanet 55596, MedGen C1836765, MONDO:0012193, OMIM 609115.

Allele frequency attached by ClinVar (database versions not stated): gnomAD exomes below 0.00001.
gnomAD v4.1: 1 of 1,613,528 alleles (0.000062%); highest among the groups gnomAD compares: Non-Finnish European, 0.000085%; no homozygotes.

Submission:

Labcorp Genetics (formerly Invitae), Labcorp
Classification: Uncertain significance for Autosomal dominant limb-girdle muscular dystrophy type 1G. Last evaluated: 2022-07-06. Review status: criteria provided, single submitter. Criteria: Invitae Variant Classification Sherloc (09022015). Collection method: clinical testing. Allele origin: germline.
Comment: In summary, the available evidence is currently insufficient to determine the role of this variant in disease. Therefore, it has been classified as a Variant of Uncertain Significance. Algorithms developed to predict the effect of missense changes on protein structure and function output the following: SIFT: "Deleterious"; PolyPhen-2: "Benign"; Align-GVGD: "Class C0". The proline amino acid residue is found in multiple mammalian species, which suggests that this missense change does not adversely affect protein function. ClinVar contains an entry for this variant (Variation ID: 1052546). This variant has not been reported in the literature in individuals affected with HNRNPDL-related conditions. This variant is not present in population databases (gnomAD no frequency). This sequence change replaces arginine, which is basic and polar, with proline, which is neutral and non-polar, at codon 106 of the HNRNPDL protein (p.Arg106Pro).